The following is an entry in ClinVar:

ClinVar aggregate classification (germline): Pathogenic. Review status: criteria provided, multiple submitters, no conflicts (2 of 4 stars). 3 submissions from 3 submitters: Pathogenic (2). 1 of the submissions does not count toward it. Last evaluated 2025-02-12.

Conditions:
AVPR2-related disorder. Also called: AVPR2-related condition.
Diabetes insipidus, nephrogenic, X-linked. Also called: Nephrogenic Diabetes Insipidus, Type I. Identifiers: Orphanet 223, MedGen C1563705, MONDO:0010581, OMIM 304800.

Submissions (3):

GeneDx
Classification: Pathogenic. Last evaluated: 2025-02-12. Review status: criteria provided, single submitter. Criteria: GeneDx Variant Classification Process June 2021. Collection method: clinical testing. Allele origin: germline. Affected: yes.
Comment: Nonsense variant predicted to result in protein truncation or nonsense mediated decay in a gene for which loss-of-function is a known mechanism of disease; Not observed at significant frequency in large population cohorts (gnomAD); This variant is associated with the following publications: (PMID: 4886456, 8401502, 11389590, 18726898, 8037205, 20301356, 8104196)

Blueprint Genetics
Classification: Pathogenic for AVPR2-related disorders. Last evaluated: 2021-06-29. Review status: criteria provided, single submitter. Criteria: ACMG Guidelines, 2015. Collection method: clinical testing. Allele origin: germline. Affected: yes. Observed: 2 variant alleles.

OMIM
Classification: Pathogenic for DIABETES INSIPIDUS, NEPHROGENIC, 1, X-LINKED. Last evaluated: 1993-09-01. Review status: no assertion criteria provided. Collection method: literature only. Allele origin: germline. Not counted in ClinVar's aggregate classification.

Literature cited by the submitters: PubMed 4886456 (cited by OMIM); PubMed 8401502 (cited by OMIM); PubMed 8104196 (cited by OMIM).

NM_000054.7(AVPR2):c.213G>A (p.Trp71Ter)

Gene: AVPR2 (arginine vasopressin receptor 2; plus strand). Cytogenetic location: Xq28.
Variant type: single nucleotide variant.
Coding change: c.213G>A on transcript NM_000054.7 (MANE Select); coding-DNA position 213, G replaced by A.
Protein change: p.Trp71Ter; replaces tryptophan 71 with a stop codon.
Molecular consequence: nonsense.
Genome position (GRCh38, 1-based): chrX:153,905,719, G>A. VCF-style: chrX-153905719-G-A. GRCh37 (hg19) VCF-style: chrX-153171173-G-A.
Other names: c.213G>A, p.Trp71Ter (NM_001146151.3); c.213G>A (NM_000054.4); short protein forms W71*.
Identifiers: ClinVar variation 10842 (VCV000010842.4), dbSNP rs104894751, ClinGen allele CA255568.